The following is an entry in ClinVar:

NR_003051.4(RMRP):n.63G>C

Gene: RMRP (RNA component of mitochondrial RNA processing endoribonuclease; minus strand). Cytogenetic location: 9p13.3.
Variant type: single nucleotide variant.
Genome position: GRCh38 VCF-style: chr9-35657957-C-G. GRCh37 (hg19) VCF-style: chr9-35657954-C-G.
Identifiers: ClinVar variation 1519684 (VCV001519684.5), dbSNP rs544069410, ClinGen allele CA464450907.
Genomic context (GRCh38, chr9:35,657,957, plus strand): 5'-ATGTCTACGTGCGTATGCACGTGGCACTCTCTGCCCGAGGTCCGGGGACTTTCCCCTAGG[C>G]GGAAAGGGGAGGAACAGAGTCCTCAGTGTGTAGCCTAGGATACAGGCCTTCAGCACGAAC-3'

ClinVar aggregate classification (germline): Uncertain significance. Review status: criteria provided, multiple submitters, no conflicts (2 of 4 stars). 2 submissions from 2 submitters: Uncertain significance (2). Last evaluated 2026-01-25.

Conditions:
Anauxetic dysplasia. Identifiers: Orphanet 93347, MedGen C1846796, MONDO:0011773.

gnomAD v4.1: 6 of 700,260 alleles (0.00086%); highest among the groups gnomAD compares: Non-Finnish European, 0.0016%; no homozygotes.

Submissions (2):

Labcorp Genetics (formerly Invitae), Labcorp
Classification: Uncertain significance for Anauxetic dysplasia. Last evaluated: 2026-01-25. Review status: criteria provided, single submitter. Criteria: Invitae Variant Classification Sherloc (09022015). Collection method: clinical testing. Allele origin: germline.
Comment: This variant occurs in the RMRP gene, which encodes an RNA molecule that does not result in a protein product. This variant is not present in population databases (gnomAD no frequency). This variant has not been reported in the literature in individuals affected with RMRP-related conditions. ClinVar contains an entry for this variant (Variation ID: 1519684). Experimental studies and prediction algorithms are not available or were not evaluated, and the functional significance of this variant is currently unknown. In summary, the available evidence is currently insufficient to determine the role of this variant in disease. Therefore, it has been classified as a Variant of Uncertain Significance.

Women's Health and Genetics/Laboratory Corporation of America, LabCorp
Classification: Uncertain significance. Last evaluated: 2023-02-17. Review status: criteria provided, single submitter. Criteria: LabCorp Variant Classification Summary - May 2015. Collection method: clinical testing. Allele origin: germline.
Comment: Variant summary: RMRP n.62G>C alters a nucleotide in the non-coding RNA. The variant was absent in 130474 control chromosomes. The available data on variant occurrences in the general population are insufficient to allow any conclusion about variant significance. To our knowledge, no occurrence of n.62G>C in individuals affected with Cartilage-Hair Hypoplasia and no experimental evidence demonstrating its impact on protein function have been reported. One clinical diagnostic laboratory has submitted clinical-significance assessments for this variant to ClinVar after 2014 without evidence for independent evaluation. One laboratory classified the variant as uncertain significance. Based on the evidence outlined above, the variant was classified as uncertain significance.